The following is an entry in ClinVar:

ClinVar aggregate classification (germline): Uncertain significance (1 of 4 stars; one submission).

Allele frequency attached by ClinVar (database versions not stated): TOPMed below 0.00001; gnomAD exomes 0.00003; ExAC 0.00007; gnomAD 0.00007; ESP Exome Variant Server 0.00008.
gnomAD v4.1: 51 of 1,613,538 alleles (0.0032%); highest among the groups gnomAD compares: African/African-American, 0.0027%; no homozygotes.

Submission:

Labcorp Genetics (formerly Invitae), Labcorp
Classification: Uncertain significance. Last evaluated: 2025-07-20. Review status: criteria provided, single submitter. Criteria: Invitae Variant Classification Sherloc (09022015). Collection method: clinical testing. Allele origin: germline.
Comment: This sequence change replaces arginine, which is basic and polar, with glutamine, which is neutral and polar, at codon 124 of the MTMR14 protein (p.Arg124Gln). This variant is present in population databases (rs368196455, gnomAD 0.03%). This variant has not been reported in the literature in individuals affected with MTMR14-related conditions. ClinVar contains an entry for this variant (Variation ID: 2714058). Invitae Evidence Modeling of protein sequence and biophysical properties (such as structural, functional, and spatial information, amino acid conservation, physicochemical variation, residue mobility, and thermodynamic stability) has been performed for this missense variant. However, the output from this modeling did not meet the statistical confidence thresholds required to predict the impact of this variant on MTMR14 protein function. In summary, the available evidence is currently insufficient to determine the role of this variant in disease. Therefore, it has been classified as a Variant of Uncertain Significance.

NM_001077525.3(MTMR14):c.371G>A (p.Arg124Gln)

Gene: MTMR14 (myotubularin related protein 14; plus strand). Cytogenetic location: 3p25.3.
Variant type: single nucleotide variant.
Coding change: c.371G>A on transcript NM_001077525.3 (MANE Select); coding-DNA position 371, G replaced by A.
Protein change: p.Arg124Gln; replaces arginine 124 with glutamine.
Molecular consequence: missense variant. On other transcripts: intron variant (8), non-coding transcript variant (7), 5 prime UTR variant (13).
Genome position (GRCh38, 1-based): chr3:9,662,329, G>A. VCF-style: chr3-9662329-G-A. GRCh37 (hg19) VCF-style: chr3-9704013-G-A.
Other names: c.-225-6390G>A (NM_001400540.1); c.308+8560G>A (NM_001400524.1, NM_001400527.1, NM_001400530.1 and 2 more transcripts); c.-162+8560G>A (NM_001400550.1); c.-150+44G>A (NM_001400543.1); c.371G>A, p.Arg124Gln (NM_022485.5, NM_001077526.3, NM_001400519.1 and 4 more transcripts); c.440G>A, p.Arg147Gln (NM_001400518.1, NM_001400521.1, NM_001400526.1); c.89G>A, p.Arg30Gln (NM_001400525.1, NM_001400529.1, NM_001400532.1 and 1 more transcripts); c.-135G>A (NM_001400533.1, NM_001400535.1, NM_001400539.1 and 1 more transcripts); and 4 more; short protein forms R124Q, R147Q, R30Q.
Identifiers: ClinVar variation 2714058 (VCV002714058.3), dbSNP rs368196455, ClinGen allele CA2240258.